The following is an entry in ClinVar:

NC_000002.12:g.121530931G>T

Genes: CLASP1 (cytoplasmic linker associated protein 1; minus strand), CLASP1-AS1 (CLASP1 antisense RNA 1; plus strand), RNU4ATAC (RNA, U4atac small nuclear; plus strand). Cytogenetic location: 2q14.2.
Variant type: single nucleotide variant.
Molecular consequence: intron variant (on NM_001395891.1).
Genome position: GRCh38 VCF-style: chr2-121530931-G-T. GRCh37 (hg19) VCF-style: chr2-122288507-G-T.
Other names: c.196-606C>A (NM_001207051.2, NM_001378005.1, NM_001142274.2 and 5 more transcripts).
Identifiers: ClinVar variation 1485152 (VCV001485152.28), dbSNP rs557186710, ClinGen allele CA54810859.
Genomic context (GRCh38, chr2:121,530,931, plus strand): 5'-TTCTATTATAACCATCCTTTTCTTGGGGTTGCGCTACTGTCCAATGAGCGCATAGTGAGG[G>T]CAGTACTGCTAACGCCTGAACAACACACCCGCATCAACTAGAGCTTTTGCTTTATTTTGG-3'

ClinVar aggregate classification (germline): Uncertain significance. Review status: criteria provided, multiple submitters, no conflicts (2 of 4 stars). 3 submissions from 3 submitters: Uncertain significance (3). Last evaluated 2024-11-22.

gnomAD v4.1: 147 of 700,376 alleles (0.021%); highest among the groups gnomAD compares: Non-Finnish European, 0.034%; no homozygotes.

Submissions (3):

Blueprint Genetics
Classification: Uncertain significance. Last evaluated: 2024-11-22. Review status: criteria provided, single submitter. Criteria: ACMG Guidelines, 2015. Collection method: clinical testing. Allele origin: germline.

CeGaT Center for Human Genetics Tuebingen
Classification: Uncertain significance. Last evaluated: 2023-12-01. Review status: criteria provided, single submitter. Criteria: CeGaT Center For Human Genetics Tuebingen Variant Classification Criteria Version 2. Collection method: clinical testing. Allele origin: germline. Affected: yes. Observed: 2 variant alleles.
Comment: RNU4ATAC: PM2

Labcorp Genetics (formerly Invitae), Labcorp
Classification: Uncertain significance. Last evaluated: 2022-10-17. Review status: criteria provided, single submitter. Criteria: Invitae Variant Classification Sherloc (09022015). Collection method: clinical testing. Allele origin: germline.
Comment: This variant occurs in the RNU4ATAC gene, which encodes an RNA molecule that does not result in a protein product. This variant is present in population databases (no rsID available, gnomAD 0.02%). This variant has not been reported in the literature in individuals affected with RNU4ATAC-related conditions. ClinVar contains an entry for this variant (Variation ID: 1485152). Algorithms developed to predict the effect of sequence changes on RNA splicing suggest that this variant may create or strengthen a splice site. This variant is located within the 5' stem-loop region of the RNU4ATAC RNA, which includes the 15.5K binding site and is important for spliceosome assembly (PMID: 32628740). A significant number of disease-associated RNU4ATAC variants are found in this region (PMID: 32628740, 30368667). In summary, the available evidence is currently insufficient to determine the role of this variant in disease. Therefore, it has been classified as a Variant of Uncertain Significance.

Literature cited by the submitters: PubMed 32628740 (cited by Labcorp Genetics (formerly Invitae), Labcorp); PubMed 30368667 (cited by Labcorp Genetics (formerly Invitae), Labcorp).